The following is an entry in ClinVar:

NM_002617.4(PEX10):c.761del (p.Gly254fs)

Gene: PEX10 (peroxisomal biogenesis factor 10; minus strand). Cytogenetic location: 1p36.32.
Variant type: Deletion.
Coding change: c.761del on transcript NM_002617.4 (MANE Select); coding-DNA position 761, one base deleted (G; older notation c.761delG).
Protein change: p.Gly254fs; shifts the reading frame from glycine 254.
Molecular consequence: frameshift variant. On other transcripts: non-coding transcript variant (1).
Genome position (GRCh38, 1-based): chr1:2,406,735, C deleted on the plus strand (G on the coding strand, the reverse complement: PEX10 is on the minus strand); the first of 2 consecutive C bases (chr1:2,406,735-2,406,736); deleting either gives the same sequence. VCF-style (leftmost placement, unchanged base first): chr1-2406734-GC-G. GRCh37 (hg19) VCF-style: chr1-2338173-GC-G.
Other names: c.818del, p.Gly273fs (NM_001374425.1); c.386del, p.Gly129fs (NM_001374426.1); c.329del, p.Gly110fs (NM_001374427.1); c.821del, p.Gly274fs (NM_153818.2); c.821del (NM_153818.1); c.821delG (NM_153818.1); short protein forms G274fs, G254fs, G110fs, G129fs, G273fs.
Identifiers: ClinVar variation 554630 (VCV000554630.12), dbSNP rs1553231820, ClinGen allele CA658820967.

ClinVar aggregate classification (germline): Pathogenic/Likely pathogenic. Review status: criteria provided, multiple submitters, no conflicts (2 of 4 stars). 5 submissions from 5 submitters: Pathogenic (3); Likely pathogenic (1). 1 of the submissions does not count toward it. Last evaluated 2026-02-11.

Conditions:
Peroxisome biogenesis disorder, complementation group 7 (CG7). Also called: Peroxisome biogenesis disorder, complementation group B. Identifiers: MedGen C1864399.
Peroxisome biogenesis disorder. Identifiers: Orphanet 79189, MedGen C1832200, MONDO:0019234. Disease mechanism: loss of function.
Peroxisome biogenesis disorder 6B (PBD6B). Identifiers: Orphanet 44, MedGen C3553948, MONDO:0013937, OMIM 614871.
Peroxisome biogenesis disorder 6A (Zellweger). Also called: Peroxisome biogenesis disorder 6A. Identifiers: Orphanet 912, MedGen C3553947, MONDO:0013936, OMIM 614870.

Submissions (5):

Myriad Genetics, Inc.
Classification: Pathogenic for Peroxisome biogenesis disorder. Last evaluated: 2026-02-11. Review status: criteria provided, single submitter. Criteria: Myriad Autosomal Dominant, Autosomal Recessive and X-Linked Classification Criteria (2023). Collection method: clinical testing. Allele origin: unknown.
Comment: NM_153818.1(PEX10):c.821delG(G274Afs*90) is a readthrough frameshift variant classified as pathogenic in the context of peroxisome biogenesis disorder type 6. G274Afs*90 has not been observed in cases with relevant disease. Relevant functional assessments of this variant are not available in the literature. G274Afs*90 has not been observed in referenced population frequency databases. In summary, NM_153818.1(PEX10):c.821delG(G274Afs*90) is a readthrough frameshift variant in a gene where loss of function is a known mechanism of disease and is predicted to disrupt protein function. Please note: this variant was assessed in the context of healthy population screening.

Fulgent Genetics
Classification: Likely pathogenic for Peroxisome biogenesis disorder 6A (Zellweger); Peroxisome biogenesis disorder 6B. Last evaluated: 2024-04-19. Review status: criteria provided, single submitter. Criteria: ACMG Guidelines, 2015. Collection method: clinical testing. Allele origin: germline.

Labcorp Genetics (formerly Invitae), Labcorp
Classification: Pathogenic for Peroxisome biogenesis disorder, complementation group 7. Last evaluated: 2024-03-13. Review status: criteria provided, single submitter. Criteria: Invitae Variant Classification Sherloc (09022015). Collection method: clinical testing. Allele origin: germline.
Comment: This sequence change results in a frameshift in the PEX10 gene (p.Gly274Alafs*90). While this is not anticipated to result in nonsense mediated decay, it is expected to disrupt the last 73 amino acid(s) of the PEX10 protein and extend the protein by 16 additional amino acid residues. This variant is not present in population databases (gnomAD no frequency). This variant has not been reported in the literature in individuals affected with PEX10-related conditions. ClinVar contains an entry for this variant (Variation ID: 554630). This variant disrupts a region of the PEX10 protein in which other variant(s) (p.Arg331Gln) have been determined to be pathogenic (PMID: 20695019, 27230853). This suggests that this is a clinically significant region of the protein, and that variants that disrupt it are likely to be disease-causing. For these reasons, this variant has been classified as Pathogenic.

Eurofins Ntd Llc (ga)
Classification: Pathogenic. Last evaluated: 2018-06-05. Review status: criteria provided, single submitter. Criteria: EGL ClinVar v180209 classification definitions. Collection method: clinical testing. Allele origin: germline. Observed: 1 variant allele, 1 heterozygote.

Counsyl
Classification: Likely pathogenic for Peroxisome biogenesis disorder 6A (Zellweger); Peroxisome biogenesis disorder 6B. Last evaluated: 2017-10-27. Review status: no assertion criteria provided. Collection method: clinical testing. Allele origin: unknown. Not counted in ClinVar's aggregate classification.

Literature cited by the submitters: PubMed 20695019 (cited by Labcorp Genetics (formerly Invitae), Labcorp); PubMed 27230853 (cited by Labcorp Genetics (formerly Invitae), Labcorp); PubMed 10862081 (cited by Counsyl).